The following is an entry in ClinVar:

ClinVar aggregate classification (germline): Uncertain significance. Review status: criteria provided, multiple submitters, no conflicts (2 of 4 stars). 3 submissions from 3 submitters: Uncertain significance (3). Last evaluated 2026-01-12.

Conditions:
Familial focal epilepsy with variable foci (FPEVF). Identifiers: Orphanet 98820, MedGen C1858477, MONDO:0020310.
Epilepsy, familial focal, with variable foci 1 (FFEVF1). Also called: DEPDC5-Related Epilepsy. Identifiers: MedGen C4551983, MONDO:0024556, OMIM 604364.

Allele frequency attached by ClinVar (database versions not stated): gnomAD exomes below 0.00001 and 0.00001; ExAC 0.00001.
gnomAD v4.1: 11 of 1,613,976 alleles (0.00068%); highest among the groups gnomAD compares: Non-Finnish European, 0.00093%; no homozygotes.

Submissions (3):

Labcorp Genetics (formerly Invitae), Labcorp
Classification: Uncertain significance for Familial focal epilepsy with variable foci. Last evaluated: 2026-01-12. Review status: criteria provided, single submitter. Criteria: Invitae Variant Classification Sherloc (09022015). Collection method: clinical testing. Allele origin: germline.
Comment: This sequence change replaces arginine, which is basic and polar, with tryptophan, which is neutral and slightly polar, at codon 1543 of the DEPDC5 protein (p.Arg1543Trp). This variant is present in population databases (rs780294726, gnomAD 0.0009%). This variant has not been reported in the literature in individuals affected with DEPDC5-related conditions. ClinVar contains an entry for this variant (Variation ID: 996989). Experimental studies and prediction algorithms are not available or were not evaluated, and the functional significance of this variant is currently unknown. In summary, the available evidence is currently insufficient to determine the role of this variant in disease. Therefore, it has been classified as a Variant of Uncertain Significance.

GeneDx
Classification: Uncertain significance. Last evaluated: 2024-10-16. Review status: criteria provided, single submitter. Criteria: GeneDx Variant Classification Process June 2021. Collection method: clinical testing. Allele origin: germline.
Comment: Not observed at significant frequency in large population cohorts (gnomAD); In silico analysis supports that this missense variant has a deleterious effect on protein structure/function; Has not been previously published as pathogenic or benign to our knowledge

New York Genome Center
Classification: Uncertain significance for Epilepsy, familial focal, with variable foci 1. Last evaluated: 2020-05-14. Review status: criteria provided, single submitter. Criteria: NYGC Assertion Criteria 2020. Collection method: clinical testing. Allele origin: maternal. Inheritance: Autosomal dominant inheritance. Observed: 1 heterozygote. Study: CSER-NYCKidSeq. Segregation with disease not observed.
Comment: The heterozygous p.Arg1543Trp variant identified in the DEPDC5 gene has not been reported in affected individuals in the literature to the best of our knowledge. The variant is absent from the gnomAD database indicating it is an extremely rare allele in the general population. The affected residue is evolutionarily conserved. In silico prediction tools provide conflicting interpretations about potential pathogenicity of this variant. Based on the current evidence, the p.Arg1543Trp variant in the DEPDC5 gene is assessed as a variant of uncertain significance.

NM_001242896.3(DEPDC5):c.4627C>T (p.Arg1543Trp)

Gene: DEPDC5 (DEP domain containing 5, GATOR1 subcomplex subunit; plus strand). Cytogenetic location: 22q12.3.
Variant type: single nucleotide variant.
Coding change: c.4627C>T on transcript NM_001242896.3 (MANE Select); coding-DNA position 4627, C replaced by T.
Protein change: p.Arg1543Trp; replaces arginine 1543 with tryptophan.
Molecular consequence: missense variant. On other transcripts: non-coding transcript variant (5).
Genome position (GRCh38, 1-based): chr22:31,906,312, C>T. VCF-style: chr22-31906312-C-T. GRCh37 (hg19) VCF-style: chr22-32302298-C-T.
Other names: c.4627C>T (NM_001242896.1); c.4600C>T, p.Arg1534Trp (NM_001136029.4); c.4327C>T, p.Arg1443Trp (NM_001242897.2); c.4561C>T, p.Arg1521Trp (NM_001363852.2, NM_001364320.2); c.4393C>T, p.Arg1465Trp (NM_001363854.2, NM_001364319.2); c.4627C>T, p.Arg1543Trp (NM_001364318.2); c.4543C>T, p.Arg1515Trp (NM_001369901.1, NM_001369902.1); c.4534C>T, p.Arg1512Trp (NM_001369903.1, NM_014662.6); short protein forms R1443W, R1465W, R1512W, R1515W, R1521W, R1534W, R1543W.
Identifiers: ClinVar variation 996989 (VCV000996989.10), dbSNP rs780294726, ClinGen allele CA10197300.